The following is an entry in ClinVar:

ClinVar aggregate classification (germline): Uncertain significance (1 of 4 stars; one submission).

Conditions:
Ataxia-telangiectasia syndrome (AT). Also called: ATAXIA-TELANGIECTASIA, FRESNO VARIANT; Ataxia-telangiectasia, complementation group D; Cerebello-oculocutaneous telangiectasia; Immunodeficiency with ataxia telangiectasia; Ataxia-telangiectasia; Ataxia telangiectasia (A-T). Identifiers: Orphanet 100, MedGen C0004135, MONDO:0008840, OMIM 208900.

Allele frequency attached by ClinVar (database versions not stated): gnomAD exomes below 0.00001.
gnomAD v4.1: 1 of 1,611,612 alleles (0.000062%); highest among the groups gnomAD compares: South Asian, 0.0011%; no homozygotes.

Submission:

Labcorp Genetics (formerly Invitae), Labcorp
Classification: Uncertain significance for Ataxia-telangiectasia syndrome. Last evaluated: 2019-11-28. Review status: criteria provided, single submitter. Criteria: Invitae Variant Classification Sherloc (09022015). Collection method: clinical testing. Allele origin: germline.
Comment: This sequence change replaces histidine with asparagine at codon 290 of the ATM protein (p.His290Asn). The histidine residue is highly conserved and there is a small physicochemical difference between histidine and asparagine. In summary, the available evidence is currently insufficient to determine the role of this variant in disease. Therefore, it has been classified as a Variant of Uncertain Significance. Algorithms developed to predict the effect of missense changes on protein structure and function (SIFT, PolyPhen-2, Align-GVGD) all suggest that this variant is likely to be disruptive, but these predictions have not been confirmed by published functional studies and their clinical significance is uncertain. This variant has not been reported in the literature in individuals with ATM-related disease. This variant is not present in population databases (ExAC no frequency).

NM_000051.4(ATM):c.868C>A (p.His290Asn)

Gene: ATM (ATM serine/threonine kinase; plus strand). Cytogenetic location: 11q22.3.
Variant type: single nucleotide variant.
Coding change: c.868C>A on transcript NM_000051.4 (MANE Select); coding-DNA position 868, C replaced by A.
Protein change: p.His290Asn; replaces histidine 290 with asparagine.
Molecular consequence: missense variant.
Genome position (GRCh38, 1-based): chr11:108,244,993, C>A. VCF-style: chr11-108244993-C-A. GRCh37 (hg19) VCF-style: chr11-108115720-C-A.
Other names: c.868C>A, p.His290Asn (NM_001351834.2); short protein forms H290N.
Identifiers: ClinVar variation 653484 (VCV000653484.10), dbSNP rs1591504685, ClinGen allele CA382529522.
Genomic context (GRCh38, chr11:108,244,993, plus strand): 5'-AGGCTTAATGATTCTTTAAAAGAAGTCATTATTGAATTATTTCAACTGCAAATTTATATC[C>A]ATCATCCGAAAGGAGCCAAAACCCAAGAAAAAGGTATAAAGGAAATGTTTACTGTTTTGA-3'
Protein context (NP_000042.3, residues 280-300): IELFQLQIYI[His290Asn]HPKGAKTQEK